The following is an entry in ClinVar:

NM_007294.4(BRCA1):c.330G>C (p.Lys110Asn)

Gene: BRCA1 (BRCA1 DNA repair associated; minus strand). Cytogenetic location: 17q21.31.
Variant type: single nucleotide variant.
Coding change: c.330G>C on transcript NM_007294.4 (MANE Select); coding-DNA position 330, G replaced by C.
Protein change: p.Lys110Asn; replaces lysine 110 with asparagine.
Molecular consequence: missense variant. On other transcripts: non-coding transcript variant (1).
Genome position (GRCh38, 1-based): chr17:43,104,233, C>G on the plus strand (G>C on the coding strand, the complement: BRCA1 is on the minus strand). VCF-style: chr17-43104233-C-G. GRCh37 (hg19) VCF-style: chr17-41256250-C-G.
Other names: c.189G>C, p.Lys63Asn (NM_001407732.1, NM_001407733.1, NM_001407734.1 and 99 more transcripts); c.330G>C, p.Lys110Asn (NM_001408420.1, NM_001408421.1, NM_001408422.1 and 165 more transcripts); c.198G>C, p.Lys66Asn (NM_001408451.1); c.252G>C, p.Lys84Asn (NM_001408474.1, NM_001408475.1, NM_001408476.1 and 21 more transcripts); c.120G>C, p.Lys40Asn (NM_001408478.1, NM_001408479.1, NM_001408480.1 and 58 more transcripts); c.-52G>C (NM_001408510.1, NM_001408512.1, NM_001407959.1 and 4 more transcripts); c.321G>C, p.Lys107Asn (NM_001407646.1, NM_001407647.1, NM_001408408.1); short protein forms K66N, K107N, K40N, K84N, K110N, K63N.
Identifiers: ClinVar variation 1730068 (VCV001730068.2), dbSNP rs878854947, ClinGen allele CA10601487.
Genomic context (GRCh38, chr17:43,104,233, plus strand): 5'-GTAGCCCATACTTTGGATGATAGAAACTTCATCTTTTAGATGTTCAGGAGAGTTATTTTC[C>G]TTTTTTGCAAAATTATAGCTGTTTGCATCTGTAAAATACAAGGGAAAACATTATGTTTGC-3'
Protein context (NP_009225.1, residues 100-120): EYANSYNFAK[Lys110Asn]ENNSPEHLKD

ClinVar aggregate classification (germline): Uncertain significance (1 of 4 stars; one submission).

Conditions:
Hereditary cancer-predisposing syndrome. Also called: Neoplastic Syndromes, Hereditary; Tumor predisposition; Hereditary Cancer Syndrome; Hereditary neoplastic syndrome. Identifiers: Orphanet 140162, MedGen C0027672, MeSH D009386, MONDO:0015356.

Submission:

Ambry Genetics
Classification: Uncertain significance for Hereditary cancer-predisposing syndrome. Last evaluated: 2017-10-02. Review status: criteria provided, single submitter. Criteria: Ambry Variant Classification Scheme 2023. Collection method: clinical testing. Allele origin: germline.
Comment: The p.K110N variant (also known as c.330G>C), located in coding exon 5 of the BRCA1 gene, results from a G to C substitution at nucleotide position 330. The lysine at codon 110 is replaced by asparagine, an amino acid with similar properties. This amino acid position is well conserved in available vertebrate species. In addition, the in silico prediction for this alteration is inconclusive. Since supporting evidence is limited at this time, the clinical significance of this alteration remains unclear.